The following is an entry in ClinVar:

NM_000492.4(CFTR):c.2680A>T (p.Asn894Tyr)

Gene: CFTR (CF transmembrane conductance regulator; plus strand). Cytogenetic location: 7q31.2.
Variant type: single nucleotide variant.
Coding change: c.2680A>T on transcript NM_000492.4 (MANE Select); coding-DNA position 2680, A replaced by T.
Protein change: p.Asn894Tyr; replaces asparagine 894 with tyrosine.
Molecular consequence: missense variant.
Genome position (GRCh38, 1-based): chr7:117,603,554, A>T. VCF-style: chr7-117603554-A-T. GRCh37 (hg19) VCF-style: chr7-117243608-A-T.
Other names: short protein forms N894Y.
Identifiers: ClinVar variation 3266647 (VCV003266647.1).

ClinVar aggregate classification (germline): Uncertain significance (1 of 4 stars; one submission).

Conditions:
Cystic fibrosis (CF). Also called: MUCOVISCIDOSIS. Identifiers: Orphanet 586, MedGen C0010674, MONDO:0009061, OMIM 219700. Disease mechanism: loss of function.

Submission:

Ambry Genetics
Classification: Uncertain significance for Cystic fibrosis. Last evaluated: 2024-03-23. Review status: criteria provided, single submitter. Criteria: Ambry Variant Classification Scheme 2023. Collection method: clinical testing. Allele origin: germline.
Comment: The p.N894Y variant (also known as c.2680A>T), located in coding exon 17 of the CFTR gene, results from an A to T substitution at nucleotide position 2680. The asparagine at codon 894 is replaced by tyrosine, an amino acid with dissimilar properties. This amino acid position is conserved. In addition, the in silico prediction for this alteration is inconclusive. Based on the available evidence, the clinical significance of this alteration remains unclear.